The following is an entry in ClinVar:

ClinVar aggregate classification (germline): Likely benign. Review status: criteria provided, multiple submitters, no conflicts (2 of 4 stars). 5 submissions from 5 submitters: Likely benign (4). 1 of the submissions does not count toward it. Last evaluated 2025-12-21.

Conditions:
Becker muscular dystrophy (BMD). Also called: MUSCULAR DYSTROPHY, PSEUDOHYPERTROPHIC PROGRESSIVE, BECKER TYPE; Becker Muscular Dystrophy (BMD). Identifiers: Orphanet 98895, MedGen C0917713, MONDO:0010311, OMIM 300376.
Cardiomyopathy (CMYO). Also called: Cardiomyopathies. Identifiers: Orphanet 167848, MedGen C0878544, MONDO:0004994, HP:0001638. Inheritance: Various modes of inheritance.
Duchenne muscular dystrophy (DMD). Also called: MUSCULAR DYSTROPHY, PSEUDOHYPERTROPHIC PROGRESSIVE, DUCHENNE TYPE; Duchenne Muscular Dystrophy (DMD). Identifiers: Orphanet 98896, MedGen C0013264, MONDO:0010679, OMIM 310200.
Dystrophin deficiency.
Cardiovascular phenotype. Identifiers: MedGen CN230736.

Allele frequency attached by ClinVar (database versions not stated): ExAC 0.00001; gnomAD exomes 0.00001; TOPMed 0.00001; gnomAD 0.00002.
gnomAD v4.1: 8 of 1,209,294 alleles (0.00066%); highest among the groups gnomAD compares: East Asian, 0.012%; no homozygotes.

Submissions (5):

Labcorp Genetics (formerly Invitae), Labcorp
Classification: Likely benign for Duchenne muscular dystrophy. Last evaluated: 2025-12-21. Review status: criteria provided, single submitter. Criteria: Invitae Variant Classification Sherloc (09022015). Collection method: clinical testing. Allele origin: germline.

Molecular Diagnostic Laboratory for Inherited Cardiovascular Disease, Montreal Heart Institute
Classification: Likely benign. Last evaluated: 2025-04-09. Review status: criteria provided, single submitter. Criteria: ACMG Guidelines, 2015. Collection method: clinical testing. Allele origin: germline. Affected: no.

Ambry Genetics
Classification: Likely benign for Cardiovascular phenotype. Last evaluated: 2022-10-23. Review status: criteria provided, single submitter. Criteria: Ambry Variant Classification Scheme 2023. Collection method: clinical testing. Allele origin: germline.

GeneDx
Classification: Likely benign. Last evaluated: 2016-11-18. Review status: criteria provided, single submitter. Criteria: GeneDx Variant Classification (06012015). Collection method: clinical testing. Allele origin: germline. Affected: yes.
Comment: This variant is considered likely benign or benign based on one or more of the following criteria: it is a conservative change, it occurs at a poorly conserved position in the protein, it is predicted to be benign by multiple in silico algorithms, and/or has population frequency not consistent with disease.

Natera, Inc.
Classification: Likely benign for Becker muscular dystrophy; Cardiomyopathy; Duchenne muscular dystrophy; Dystrophin deficiency. Last evaluated: 2021-06-08. Review status: no assertion criteria provided. Collection method: clinical testing. Allele origin: germline. Not counted in ClinVar's aggregate classification.

NM_004006.3(DMD):c.9510C>T (p.Asn3170=)

Gene: DMD (dystrophin; minus strand). Cytogenetic location: Xp21.2.
Variant type: single nucleotide variant.
Coding change: c.9510C>T on transcript NM_004006.3 (MANE Select); coding-DNA position 9510, C replaced by T.
Protein change: p.Asn3170=; no amino-acid change (asparagine 3170 retained).
Molecular consequence: synonymous variant.
Genome position (GRCh38, 1-based): chrX:31,209,551, G>A on the plus strand (C>T on the coding strand, the complement: DMD is on the minus strand). VCF-style: chrX-31209551-G-A. GRCh37 (hg19) VCF-style: chrX-31227668-G-A.
Other names: c.9486C>T, p.Asn3162= (NM_000109.4); c.9498C>T, p.Asn3166= (NM_004009.3); c.9141C>T, p.Asn3047= (NM_004010.3); c.5487C>T, p.Asn1829= (NM_004011.4); c.5478C>T, p.Asn1826= (NM_004012.4); c.2130C>T, p.Asn710= (NM_004013.3, NM_004020.4, NM_004021.3 and 2 more transcripts); c.1323C>T, p.Asn441= (NM_004014.3); c.306C>T, p.Asn102= (NM_004015.3, NM_004016.3, NM_004017.3 and 2 more transcripts).
Identifiers: ClinVar variation 390785 (VCV000390785.14), dbSNP rs751900100, ClinGen allele CA10377795.